The following is an entry in ClinVar:

NM_004260.4(RECQL4):c.3449G>C (p.Arg1150Thr)

Gene: RECQL4 (RecQ like helicase 4; minus strand). Cytogenetic location: 8q24.3.
Variant type: single nucleotide variant.
Coding change: c.3449G>C on transcript NM_004260.4 (MANE Select); coding-DNA position 3449, G replaced by C.
Protein change: p.Arg1150Thr; replaces arginine 1150 with threonine.
Molecular consequence: missense variant.
Genome position (GRCh38, 1-based): chr8:144,511,734, C>G on the plus strand (G>C on the coding strand, the complement: RECQL4 is on the minus strand). VCF-style: chr8-144511734-C-G. GRCh37 (hg19) VCF-style: chr8-145737117-C-G.
Other names: c.3155G>C, p.Arg1052Thr (NM_001413017.1); c.3251G>C, p.Arg1084Thr (NM_001413018.1); c.3524G>C, p.Arg1175Thr (NM_001413019.1); c.3353G>C, p.Arg1118Thr (NM_001413020.1); c.2378G>C, p.Arg793Thr (NM_001413021.1, NM_001413022.1, NM_001413024.1 and 4 more transcripts); c.2453G>C, p.Arg818Thr (NM_001413023.1); c.3320G>C, p.Arg1107Thr (NM_001413025.1); c.2312G>C, p.Arg771Thr (NM_001413027.1, NM_001413030.1, NM_001413032.1); and 9 more; short protein forms R1033T, R1118T, R1150T, R661T, R749T, R796T, R818T, R1052T.
Identifiers: ClinVar variation 1959398 (VCV001959398.5), dbSNP rs780676589, ClinGen allele CA4947734.

ClinVar aggregate classification (germline): Uncertain significance (1 of 4 stars; one submission).

Conditions:
Baller-Gerold syndrome (BGS). Also called: CRANIOSYNOSTOSIS WITH RADIAL DEFECTS. Identifiers: Orphanet 1225, MedGen C0265308, MONDO:0009039, OMIM 218600.

Allele frequency attached by ClinVar (database versions not stated): ExAC 0.00001.

Submission:

Labcorp Genetics (formerly Invitae), Labcorp
Classification: Uncertain significance for Baller-Gerold syndrome. Last evaluated: 2024-12-15. Review status: criteria provided, single submitter. Criteria: Invitae Variant Classification Sherloc (09022015). Collection method: clinical testing. Allele origin: germline.
Comment: This sequence change replaces arginine, which is basic and polar, with threonine, which is neutral and polar, at codon 1150 of the RECQL4 protein (p.Arg1150Thr). This variant is present in population databases (rs780676589, gnomAD 0.007%). This variant has not been reported in the literature in individuals affected with RECQL4-related conditions. ClinVar contains an entry for this variant (Variation ID: 1959398). Invitae Evidence Modeling of protein sequence and biophysical properties (such as structural, functional, and spatial information, amino acid conservation, physicochemical variation, residue mobility, and thermodynamic stability) has been performed for this missense variant. However, the output from this modeling did not meet the statistical confidence thresholds required to predict the impact of this variant on RECQL4 protein function. In summary, the available evidence is currently insufficient to determine the role of this variant in disease. Therefore, it has been classified as a Variant of Uncertain Significance.